The following is an entry in ClinVar:

ClinVar aggregate classification (germline): Uncertain significance (1 of 4 stars; one submission).

Conditions:
Familial hemiplegic migraine. Identifiers: MedGen C0338484, MONDO:0000700.

Submission:

Labcorp Genetics (formerly Invitae), Labcorp
Classification: Uncertain significance for Familial hemiplegic migraine. Last evaluated: 2024-10-28. Review status: criteria provided, single submitter. Criteria: Invitae Variant Classification Sherloc (09022015). Collection method: clinical testing. Allele origin: germline.
Comment: This sequence change replaces threonine, which is neutral and polar, with alanine, which is neutral and non-polar, at codon 620 of the ATP1A2 protein (p.Thr620Ala). This variant is not present in population databases (gnomAD no frequency). This variant has not been reported in the literature in individuals affected with ATP1A2-related conditions. Invitae Evidence Modeling of protein sequence and biophysical properties (such as structural, functional, and spatial information, amino acid conservation, physicochemical variation, residue mobility, and thermodynamic stability) indicates that this missense variant is expected to disrupt ATP1A2 protein function with a positive predictive value of 80%. In summary, the available evidence is currently insufficient to determine the role of this variant in disease. Therefore, it has been classified as a Variant of Uncertain Significance.

NM_000702.4(ATP1A2):c.1858A>G (p.Thr620Ala)

Gene: ATP1A2 (ATPase Na+/K+ transporting subunit alpha 2; plus strand). Cytogenetic location: 1q23.2.
Variant type: single nucleotide variant.
Coding change: c.1858A>G on transcript NM_000702.4 (MANE Select); coding-DNA position 1858, A replaced by G.
Protein change: p.Thr620Ala; replaces threonine 620 with alanine.
Molecular consequence: missense variant.
Genome position (GRCh38, 1-based): chr1:160,134,514, A>G. VCF-style: chr1-160134514-A-G. GRCh37 (hg19) VCF-style: chr1-160104304-A-G.
Other names: short protein forms T620A.
Identifiers: ClinVar variation 3667440 (VCV003667440.2).
Genomic context (GRCh38, chr1:160,134,514, plus strand): 5'-TTTCCTGTTGTCTCCTCTCCTTCCCACTAGGTGATCATGGTAACCGGGGATCACCCTATC[A>G]CAGCCAAGGCCATTGCCAAAGGCGTGGGCATCATATCAGAGGGTAACGAGACTGTGGAGG-3'
Protein context (NP_000693.1, residues 610-630): VIMVTGDHPI[Thr620Ala]AKAIAKGVGI